The following is an entry in ClinVar:

ClinVar aggregate classification (germline): Uncertain significance (1 of 4 stars; one submission).

Allele frequency attached by ClinVar (database versions not stated): gnomAD exomes below 0.00001; TOPMed below 0.00001; ExAC 0.00002.
gnomAD v4.1: 4 of 1,590,344 alleles (0.00025%); highest among the groups gnomAD compares: South Asian, 0.0034%; no homozygotes.

Submission:

Labcorp Genetics (formerly Invitae), Labcorp
Classification: Uncertain significance. Last evaluated: 2023-02-14. Review status: criteria provided, single submitter. Criteria: Invitae Variant Classification Sherloc (09022015). Collection method: clinical testing. Allele origin: germline.
Comment: In summary, the available evidence is currently insufficient to determine the role of this variant in disease. Therefore, it has been classified as a Variant of Uncertain Significance. Algorithms developed to predict the effect of sequence changes on RNA splicing suggest that this variant may create or strengthen a splice site. This variant has not been reported in the literature in individuals affected with KDM1A-related conditions. This variant is present in population databases (rs768040021, gnomAD 0.007%). This sequence change falls in intron 8 of the KDM1A gene. It does not directly change the encoded amino acid sequence of the KDM1A protein.

NM_001009999.3(KDM1A):c.1073-10T>G

Gene: KDM1A (lysine demethylase 1A; plus strand). Cytogenetic location: 1p36.12.
Variant type: single nucleotide variant.
Coding change: c.1073-10T>G on transcript NM_001009999.3 (MANE Select); 10 bases into the intron before coding-DNA position 1073, T replaced by G.
Molecular consequence: intron variant.
Genome position (GRCh38, 1-based): chr1:23,059,063, T>G. VCF-style: chr1-23059063-T-G. GRCh37 (hg19) VCF-style: chr1-23385556-T-G.
Other names: c.1073-10T>G (NM_001410762.1); c.1013-10T>G (NM_001363654.2, NM_001410763.1, NM_015013.4).
Identifiers: ClinVar variation 2779878 (VCV002779878.3), dbSNP rs768040021, ClinGen allele CA679640.